The following is an entry in ClinVar:

ClinVar aggregate classification (germline): Uncertain significance. Review status: criteria provided, multiple submitters, no conflicts (2 of 4 stars). 2 submissions from 2 submitters: Uncertain significance (2). Last evaluated 2025-08-04.

Conditions:
Inborn genetic diseases. Identifiers: MedGen C0950123, MeSH D030342.
CPE-related disorder. Also called: CPE-related condition.

Allele frequency attached by ClinVar (database versions not stated): gnomAD exomes 0.00002; ExAC 0.00003; gnomAD 0.00015; TOPMed 0.00016; 1000 Genomes Project 30x 0.00031; 1000 Genomes Project 0.00040.
gnomAD v4.1: 53 of 1,614,030 alleles (0.0033%); highest among the groups gnomAD compares: African/African-American, 0.061%; no homozygotes.

Submissions (2):

PreventionGenetics, part of Exact Sciences
Classification: Uncertain significance for CPE-related condition. Last evaluated: 2025-08-04. Review status: criteria provided, single submitter. Criteria: ACMG Guidelines, 2015. Collection method: clinical testing. Allele origin: germline.
Comment: The CPE c.1274C>T variant is predicted to result in the amino acid substitution p.Ala425Val. This variant was previously reported in a large cohort of individuals with obesity (supplementary data, Roberts et al. 2022. PubMed ID: 35562395). However, this variant is reported in 0.056% of alleles in individuals of African descent in gnomAD, which is likely too common to be a primary cause of disease. Although we suspect this variant may be benign, at this time, the clinical significance is uncertain due to the absence of conclusive functional and genetic evidence.

Ambry Genetics
Classification: Uncertain significance for Inborn genetic diseases. Last evaluated: 2021-07-21. Review status: criteria provided, single submitter. Criteria: Ambry Variant Classification Scheme 2023. Collection method: clinical testing. Allele origin: germline.

NM_001873.4(CPE):c.1274C>T (p.Ala425Val)

Gene: CPE (carboxypeptidase E; plus strand). Cytogenetic location: 4q32.3.
Variant type: single nucleotide variant.
Coding change: c.1274C>T on transcript NM_001873.4 (MANE Select); coding-DNA position 1274, C replaced by T.
Protein change: p.Ala425Val; replaces alanine 425 with valine.
Molecular consequence: missense variant.
Genome position (GRCh38, 1-based): chr4:165,495,619, C>T. VCF-style: chr4-165495619-C-T. GRCh37 (hg19) VCF-style: chr4-166416771-C-T.
Other names: c.1274C>T (NM_001873.3); short protein forms A425V.
Identifiers: ClinVar variation 2369508 (VCV002369508.5), dbSNP rs202238519, ClinGen allele CA3130416.
Genomic context (GRCh38, chr4:165,495,619, plus strand): 5'-CAAAGGATGGTGATTACTGGAGATTGCTTATACCTGGAAACTATAAACTTACAGCCTCAG[C>T]TCCAGGCTATCTGGCAATAACAAAGAAAGTGGCAGTTCCTTACAGCCCTGCTGCTGGGGT-3'
Protein context (NP_001864.1, residues 415-435): IPGNYKLTAS[Ala425Val]PGYLAITKKV